The following is an entry in ClinVar:

NM_019098.5(CNGB3):c.2047A>C (p.Thr683Pro)

Gene: CNGB3 (cyclic nucleotide gated channel subunit beta 3; minus strand). Cytogenetic location: 8q21.3.
Variant type: single nucleotide variant.
Coding change: c.2047A>C on transcript NM_019098.5 (MANE Select); coding-DNA position 2047, A replaced by C.
Protein change: p.Thr683Pro; replaces threonine 683 with proline.
Molecular consequence: missense variant.
Genome position (GRCh38, 1-based): chr8:86,578,745, T>G on the plus strand (A>C on the coding strand, the complement: CNGB3 is on the minus strand). VCF-style: chr8-86578745-T-G. GRCh37 (hg19) VCF-style: chr8-87590973-T-G.
Other names: c.2047A>C (NM_019098.4); short protein forms T683P.
Identifiers: ClinVar variation 1401763 (VCV001401763.8), dbSNP rs144474033, ClinGen allele CA4799818.
Genomic context (GRCh38, chr8:86,578,745, plus strand): 5'-TTACCTGAGCTGCTTGCTCTCGCTTCAATTTGAGTAGTCTTGCAAGACTTGCTTTTCCTG[T>G]GCCTCCTAGGAGAGTTTTAAACAGTTTGGGTGTCTCTTCTTTCGGTGGGAAGAGGAGGGC-3'
Protein context (NP_061971.3, residues 673-693): PKLFKTLLGG[Thr683Pro]GKASLARLLK

ClinVar aggregate classification (germline): Uncertain significance. Review status: criteria provided, multiple submitters, no conflicts (2 of 4 stars). 5 submissions from 5 submitters: Uncertain significance (5). Last evaluated 2026-06-05.

Conditions:
Inborn genetic diseases. Identifiers: MedGen C0950123, MeSH D030342.
CNGB3-related disorder. Also called: CNGB3-related condition; CNGB3-related disorders. Identifiers: MedGen CN239340.
Achromatopsia 3 (ACHM3). Also called: PINGELAPESE BLINDNESS; TOTAL COLORBLINDNESS WITH MYOPIA; ROD MONOCHROMACY 1; ROD MONOCHROMATISM 1; ACHROMATOPSIA WITH MYOPIA. Identifiers: Orphanet 49382, MedGen C1849792, MONDO:0009875, OMIM 262300.

Allele frequency attached by ClinVar (database versions not stated): gnomAD exomes 0.00001 and 0.00004; ExAC 0.00003; ESP Exome Variant Server 0.00008; gnomAD 0.00009; TOPMed 0.00013; 1000 Genomes Project 30x 0.00016; 1000 Genomes Project 0.00020.
gnomAD v4.1: 25 of 1,614,026 alleles (0.0015%); highest among the groups gnomAD compares: African/African-American, 0.031%; no homozygotes.

Submissions (5):

PreventionGenetics, part of Exact Sciences
Classification: Uncertain significance for CNGB3-related condition. Last evaluated: 2026-06-05. Review status: criteria provided, single submitter. Criteria: ACMG Guidelines, 2015. Collection method: clinical testing. Allele origin: germline.
Comment: The CNGB3 c.2047A>C variant is predicted to result in the amino acid substitution p.Thr683Pro. To our knowledge, this variant has not been reported in the literature. This variant is present in 0.044% of alleles in individuals of African descent in gnomAD. At this time, the clinical significance of this variant is uncertain due to the absence of conclusive functional and genetic evidence.

Ambry Genetics
Classification: Uncertain significance for Inborn genetic diseases. Last evaluated: 2025-10-22. Review status: criteria provided, single submitter. Criteria: Ambry Variant Classification Scheme 2023. Collection method: clinical testing. Allele origin: germline.

Blueprint Genetics
Classification: Uncertain significance. Last evaluated: 2024-09-06. Review status: criteria provided, single submitter. Criteria: ACMG Guidelines, 2015. Collection method: clinical testing. Allele origin: germline.

Labcorp Genetics (formerly Invitae), Labcorp
Classification: Uncertain significance. Last evaluated: 2022-10-13. Review status: criteria provided, single submitter. Criteria: Invitae Variant Classification Sherloc (09022015). Collection method: clinical testing. Allele origin: germline.
Comment: This sequence change replaces threonine, which is neutral and polar, with proline, which is neutral and non-polar, at codon 683 of the CNGB3 protein (p.Thr683Pro). This variant is present in population databases (rs144474033, gnomAD 0.05%). This variant has not been reported in the literature in individuals affected with CNGB3-related conditions. ClinVar contains an entry for this variant (Variation ID: 1401763). Advanced modeling of protein sequence and biophysical properties (such as structural, functional, and spatial information, amino acid conservation, physicochemical variation, residue mobility, and thermodynamic stability) performed at Invitae indicates that this missense variant is not expected to disrupt CNGB3 protein function. In summary, the available evidence is currently insufficient to determine the role of this variant in disease. Therefore, it has been classified as a Variant of Uncertain Significance.

Fulgent Genetics
Classification: Uncertain significance for Achromatopsia 3. Last evaluated: 2021-08-09. Review status: criteria provided, single submitter. Criteria: ACMG Guidelines, 2015. Collection method: clinical testing. Allele origin: unknown.